The following is an entry in ClinVar:

ClinVar aggregate classification (germline): Conflicting classifications of pathogenicity. Review status: criteria provided, conflicting classifications (1 of 4 stars). 3 submissions from 3 submitters: Uncertain significance (2); Likely benign (1). Last evaluated 2026-02-02.

Conditions:
Hereditary cancer-predisposing syndrome. Also called: Tumor predisposition; Hereditary neoplastic syndrome; Neoplastic Syndromes, Hereditary; Hereditary Cancer Syndrome. Identifiers: Orphanet 140162, MedGen C0027672, MeSH D009386, MONDO:0015356.
Colorectal cancer, susceptibility to, 12 (CRCS12). Also called: COLORECTAL CANCER, SUSCEPTIBILITY TO, ON CHROMOSOME 12q24. Identifiers: Orphanet 220460, MedGen C3554460, MONDO:0014038, OMIM 615083.

Allele frequency attached by ClinVar (database versions not stated): TOPMed 0.00001.

Submissions (3):

Labcorp Genetics (formerly Invitae), Labcorp
Classification: Uncertain significance. Last evaluated: 2026-02-02. Review status: criteria provided, single submitter. Criteria: Invitae Variant Classification Sherloc (09022015). Collection method: clinical testing. Allele origin: germline.
Comment: This sequence change falls in intron 14 of the POLE gene. It does not directly change the encoded amino acid sequence of the POLE protein. It affects a nucleotide within the consensus splice site. This variant is not present in population databases (gnomAD no frequency). This variant has not been reported in the literature in individuals affected with POLE-related conditions. ClinVar contains an entry for this variant (Variation ID: 819318). Variants that disrupt the consensus splice site are a relatively common cause of aberrant splicing (PMID: 17576681, 9536098). Algorithms developed to predict the effect of sequence changes on RNA splicing suggest that this variant is not likely to affect RNA splicing. In summary, the available evidence is currently insufficient to determine the role of this variant in disease. Therefore, it has been classified as a Variant of Uncertain Significance.

Ambry Genetics
Classification: Uncertain significance for Hereditary cancer-predisposing syndrome. Last evaluated: 2025-10-31. Review status: criteria provided, single submitter. Criteria: Ambry Variant Classification Scheme 2023. Collection method: clinical testing. Allele origin: germline.
Comment: The c.1473+3G>A intronic variant results from a G to A substitution 3 nucleotides after coding exon 14 in the POLE gene. This nucleotide position is poorly conserved in available vertebrate species. In silico splice site analysis predicts that this alteration will not have any significant effect on splicing. Based on the available evidence, the clinical significance of this variant remains unclear.

Myriad Genetics, Inc.
Classification: Likely benign for Colorectal cancer, susceptibility to, 12. Last evaluated: 2025-02-11. Review status: criteria provided, single submitter. Criteria: Myriad Autosomal Dominant, Autosomal Recessive and X-Linked Classification Criteria (2023). Collection method: clinical testing. Allele origin: unknown.
Comment: This variant is considered likely benign. This variant is intronic and is not expected to impact mRNA splicing.

Literature cited by the submitters: PubMed 17576681 (cited by Labcorp Genetics (formerly Invitae), Labcorp); PubMed 9536098 (cited by Labcorp Genetics (formerly Invitae), Labcorp).

NM_006231.4(POLE):c.1473+3G>A

Gene: POLE (DNA polymerase epsilon, catalytic subunit; minus strand). Cytogenetic location: 12q24.33.
Variant type: single nucleotide variant.
Coding change: c.1473+3G>A on transcript NM_006231.4 (MANE Select); 3 bases into the intron after coding-DNA position 1473, G replaced by A.
Molecular consequence: intron variant.
Genome position (GRCh38, 1-based): chr12:132,673,161, C>T on the plus strand (G>A on the coding strand, the complement: POLE is on the minus strand). VCF-style: chr12-132673161-C-T. GRCh37 (hg19) VCF-style: chr12-133249747-C-T.
Identifiers: ClinVar variation 819318 (VCV000819318.14), dbSNP rs1264359374, ClinGen allele CA685554975.